The following is an entry in ClinVar:

NM_001844.5(COL2A1):c.3679_3680insAA (p.Gly1227fs)

Gene: COL2A1 (collagen type II alpha 1 chain; minus strand). Cytogenetic location: 12q13.11.
Variant type: Insertion.
Coding change: c.3679_3680insAA on transcript NM_001844.5 (MANE Select); coding-DNA positions 3679 to 3680, AA inserted.
Protein change: p.Gly1227fs; shifts the reading frame from glycine 1227.
Molecular consequence: frameshift variant.
Genome position: GRCh38 VCF-style: chr12-47975523-C-CTT. GRCh37 (hg19) VCF-style: chr12-48369306-C-CTT.
Other names: c.3472_3473insAA, p.Gly1158fs (NM_033150.3); short protein forms G1158fs, G1227fs.
Identifiers: ClinVar variation 3382404 (VCV003382404.2).

ClinVar aggregate classification (germline): Likely pathogenic (1 of 4 stars; one submission).

Conditions:
Achondrogenesis type II (ACG2). Also called: ACHONDROGENESIS, LANGER-SALDINO TYPE; CHONDROGENESIS IMPERFECTA. Identifiers: Orphanet 932, Orphanet 93296, MedGen C0220685, MONDO:0008702, OMIM 200610.
Avascular necrosis of femoral head, primary, 1 (ANFH1). Also called: Avascular necrosis of femoral head, primary. Identifiers: Orphanet 86820, MedGen C4551562, MONDO:0054550, OMIM 608805.
Multiple epiphyseal dysplasia, Beighton type. Identifiers: Orphanet 166011, MedGen C1851536, MONDO:0007562, OMIM 132450.
Platyspondylic dysplasia, Torrance type (PLSDT). Identifiers: Orphanet 85166, MedGen C1835437, MONDO:0007895, OMIM 151210.
Legg-Calve-Perthes disease. Also called: PERTHES DISEASE; Osteochondritis deformans; Coxa plana; Avascular necrosis of the capital femoral epiphysis. Identifiers: Orphanet 2380, MedGen C1442965, MONDO:0007885, OMIM 150600, HP:0005743.
Spondyloepiphyseal dysplasia congenita (SEDC). Also called: SED CONGENITA; SPONDYLOEPIPHYSEAL DYSPLASIA, CONGENITAL TYPE. Identifiers: Orphanet 94068, MedGen C2745959, MONDO:0008471, OMIM 183900.
Kniest dysplasia. Identifiers: Orphanet 485, MedGen C0265279, MONDO:0007987, OMIM 156550.
Namaqualand hip dysplasia (OSCDP). Also called: Mild spondyloepiphyseal dysplasia due to COL2A1 mutation with early-onset osteoarthritis. Identifiers: Orphanet 93279, MedGen C0432214, MONDO:0011496, OMIM 604864.
Spondyloperipheral dysplasia. Also called: SPONDYLOPERIPHERAL DYSPLASIA WITH SHORT ULNA; Spondyloperipheral dysplasia-short ulna syndrome. Identifiers: Orphanet 1856, MedGen C0796173, MONDO:0010078, OMIM 271700.
Stickler syndrome type 1 (STL1). Also called: ARTHROOPHTHALMOPATHY, HEREDITARY PROGRESSIVE; STICKLER SYNDROME, MEMBRANOUS VITREOUS TYPE; STICKLER SYNDROME, VITREOUS TYPE 1; COL2A1-Related Stickler Syndrome. Identifiers: Orphanet 828, Orphanet 90653, MedGen C2020284, MONDO:0007160, OMIM 108300.
Spondyloepiphyseal dysplasia with metatarsal shortening. Also called: Pseudorheumatoid dysplasia progressive, with hypoplastic toes; CZECH DYSPLASIA, METATARSAL TYPE; SPONDYLOEPIPHYSEAL DYSPLASIA WITH PRECOCIOUS OSTEOARTHRITIS. Identifiers: Orphanet 137678, MedGen C1836683, MONDO:0012206, OMIM 609162.
Stickler syndrome, type I, nonsyndromic ocular. Also called: STICKLER SYNDROME, TYPE I, PREDOMINANTLY OCULAR; STICKLER SYNDROME, ATYPICAL. Identifiers: MedGen C1836080, MONDO:0012287, OMIM 609508.
Vitreoretinopathy with phalangeal epiphyseal dysplasia (VPED). Identifiers: MedGen C1852989, MONDO:0031001, OMIM 619248.
Spondyloepiphyseal dysplasia, Stanescu type. Also called: SED, STANESCU TYPE; SPONDYLOEPIMETAPHYSEAL DYSPLASIA, STANESCU TYPE. Identifiers: Orphanet 459051, MedGen C4225273, MONDO:0014701, OMIM 616583.
Spondyloepimetaphyseal dysplasia, Strudwick type (SEMDSTWK). Also called: DAPPLED METAPHYSIS SYNDROME; STRUDWICK SYNDROME. Identifiers: Orphanet 93346, MedGen C0700635, MONDO:0008476, OMIM 184250.

Submission:

Juno Genomics, Hangzhou Juno Genomics, Inc
Classification: Likely pathogenic for Multiple epiphyseal dysplasia, Beighton type; Vitreoretinopathy with phalangeal epiphyseal dysplasia; Achondrogenesis type II; Avascular necrosis of femoral head, primary, 1; Spondyloepiphyseal dysplasia with metatarsal shortening; Kniest dysplasia; Legg-Calve-Perthes disease; Namaqualand hip dysplasia; Platyspondylic dysplasia, Torrance type; Spondyloepiphyseal dysplasia congenita; Spondyloepimetaphyseal dysplasia, Strudwick type; Spondyloepiphyseal dysplasia, Stanescu type; Spondyloperipheral dysplasia; Stickler syndrome type 1; Stickler syndrome, type I, nonsyndromic ocular. Review status: criteria provided, single submitter. Criteria: ACMG Guidelines, 2015. Collection method: clinical testing. Allele origin: germline. Affected: yes.
Comment: Absent from controls (or at extremely low frequency if recessive) in Genome Aggregation Database, Exome Sequencing Project, 1000 Genomes Project, or Exome Aggregation Consortium.;Null variant in a gene where loss of function (LOF) is a known mechanism of disease.